The following is an entry in ClinVar:

ClinVar aggregate classification (germline): Uncertain significance. Review status: criteria provided, multiple submitters, no conflicts (2 of 4 stars). 2 submissions from 2 submitters: Uncertain significance (2). Last evaluated 2022-12-02.

Conditions:
Inborn genetic diseases. Identifiers: MedGen C0950123, MeSH D030342.

gnomAD v4.1: 3 of 1,605,256 alleles (0.00019%); highest among the groups gnomAD compares: Admixed American, 0.0017%; no homozygotes.

Submissions (2):

Ambry Genetics
Classification: Uncertain significance for Inborn genetic diseases. Last evaluated: 2022-12-02. Review status: criteria provided, single submitter. Criteria: Ambry Variant Classification Scheme 2023. Collection method: clinical testing. Allele origin: germline.

Labcorp Genetics (formerly Invitae), Labcorp
Classification: Uncertain significance. Last evaluated: 2021-12-25. Review status: criteria provided, single submitter. Criteria: Invitae Variant Classification Sherloc (09022015). Collection method: clinical testing. Allele origin: germline.
Comment: This sequence change replaces arginine, which is basic and polar, with serine, which is neutral and polar, at codon 977 of the TONSL protein (p.Arg977Ser). This variant is not present in population databases (gnomAD no frequency). This variant has not been reported in the literature in individuals affected with TONSL-related conditions. Algorithms developed to predict the effect of missense changes on protein structure and function (SIFT, PolyPhen-2, Align-GVGD) all suggest that this variant is likely to be tolerated. In summary, the available evidence is currently insufficient to determine the role of this variant in disease. Therefore, it has been classified as a Variant of Uncertain Significance.

NM_013432.5(TONSL):c.2931G>C (p.Arg977Ser)

Gene: TONSL (tonsoku like, DNA repair protein; minus strand). Cytogenetic location: 8q24.3.
Variant type: single nucleotide variant.
Coding change: c.2931G>C on transcript NM_013432.5 (MANE Select); coding-DNA position 2931, G replaced by C.
Protein change: p.Arg977Ser; replaces arginine 977 with serine.
Molecular consequence: missense variant.
Genome position (GRCh38, 1-based): chr8:144,435,092, C>G on the plus strand (G>C on the coding strand, the complement: TONSL is on the minus strand). VCF-style: chr8-144435092-C-G. GRCh37 (hg19) VCF-style: chr8-145660475-C-G.
Other names: short protein forms R977S.
Identifiers: ClinVar variation 1981303 (VCV001981303.2), dbSNP rs1586686043, ClinGen allele CA372649514.
Genomic context (GRCh38, chr8:144,435,092, plus strand): 5'-CAGCACATCAGGGATGAGGTCCTGTGGGGCCAGCAGGGCCCCCTCTTTCCGTAGGGTGAG[C>G]CTGGGCAGCAGCCCGCAGGTCTGGTAGTAGCGCTGGGCCGCCTGCTCGGCCAGCCAGGCC-3'
Protein context (NP_038460.4, residues 967-987): RYYQTCGLLP[Arg977Ser]LTLRKEGALL